The following is an entry in ClinVar:

ClinVar aggregate classification (germline): Likely pathogenic. Review status: criteria provided, multiple submitters, no conflicts (2 of 4 stars). 3 submissions from 3 submitters: Likely pathogenic (2). 1 of the submissions does not count toward it. Last evaluated 2022-12-09.

Conditions:
RPGR-related disorder. Also called: RPGR-related condition.
Retinal dystrophy. Also called: Inherited retinal dystrophy. Identifiers: Orphanet 71862, MedGen C0854723, MeSH D058499, MONDO:0019118, HP:0000556.

Submissions (3):

Blueprint Genetics
Classification: Likely pathogenic for RPGR-related disorders. Last evaluated: 2022-12-09. Review status: criteria provided, single submitter. Criteria: ACMG Guidelines, 2015. Collection method: clinical testing. Allele origin: germline. Affected: yes. Observed: 2 variant alleles.

CeGaT Center for Human Genetics Tuebingen
Classification: Likely pathogenic. Last evaluated: 2022-04-01. Review status: criteria provided, single submitter. Criteria: CeGaT Center For Human Genetics Tuebingen Variant Classification Criteria Version 2. Collection method: clinical testing. Allele origin: germline. Affected: yes. Observed: 3 variant alleles.
Comment: RPGR: PVS1:Strong, PM1, PM2, PP4

Institute of Human Genetics, Univ. Regensburg, Univ. Regensburg
Classification: Pathogenic for Retinal dystrophy. Last evaluated: 2017-01-01. Review status: no assertion criteria provided. Criteria: ACMG Guidelines, 2015. Collection method: clinical testing. Allele origin: germline. Affected: yes. Not counted in ClinVar's aggregate classification.

NM_001034853.2(RPGR):c.1245+1G>A

Gene: RPGR (retinitis pigmentosa GTPase regulator; minus strand). Cytogenetic location: Xp11.4.
Variant type: single nucleotide variant.
Coding change: c.1245+1G>A on transcript NM_001034853.2 (MANE Select); the canonical splice donor site of the intron after coding-DNA position 1245, G replaced by A.
Molecular consequence: splice donor variant. On other transcripts: intron variant (2).
Genome position (GRCh38, 1-based): chrX:38,298,955, C>T on the plus strand (G>A on the coding strand, the complement: RPGR is on the minus strand). VCF-style: chrX-38298955-C-T. GRCh37 (hg19) VCF-style: chrX-38158208-C-T.
Other names: c.1242+1G>A (NM_001367249.1, NM_001367250.1, NM_001367245.1); c.1060-1503G>A (NM_001367251.1, NM_001367246.1); c.1245+1G>A (NM_001367247.1, NM_000328.3); c.1275+1G>A (NM_001367248.1).
Identifiers: ClinVar variation 1695291 (VCV001695291.31), dbSNP rs2147232242, ClinGen allele CA412739702.